The following is an entry in ClinVar:

ClinVar aggregate classification (germline): Uncertain significance (1 of 4 stars; one submission).

Conditions:
Cardiovascular phenotype. Identifiers: MedGen CN230736.

gnomAD v4.1: 1 of 1,614,178 alleles (0.000062%); highest among the groups gnomAD compares: Non-Finnish European, 0.000085%; no homozygotes.

Submission:

Ambry Genetics
Classification: Uncertain significance for Cardiovascular phenotype. Last evaluated: 2019-12-14. Review status: criteria provided, single submitter. Criteria: Ambry Variant Classification Scheme 2023. Collection method: clinical testing. Allele origin: germline.
Comment: The p.G66R variant (also known as c.196G>C), located in coding exon 2 of the COL1A1 gene, results from a G to C substitution at nucleotide position 196. The glycine at codon 66 is replaced by arginine, an amino acid with dissimilar properties. This amino acid position is highly conserved in available vertebrate species. In addition, this alteration is predicted to be deleterious by in silico analysis. Since supporting evidence is limited at this time, the clinical significance of this alteration remains unclear.Since supporting evidence is limited at this time, the clinical significance of this alteration remains unclear.

NM_000088.4(COL1A1):c.196G>C (p.Gly66Arg)

Gene: COL1A1 (collagen type I alpha 1 chain; minus strand). Cytogenetic location: 17q21.33.
Variant type: single nucleotide variant.
Coding change: c.196G>C on transcript NM_000088.4 (MANE Select); coding-DNA position 196, G replaced by C.
Protein change: p.Gly66Arg; replaces glycine 66 with arginine.
Molecular consequence: missense variant.
Genome position (GRCh38, 1-based): chr17:50,199,855, C>G on the plus strand (G>C on the coding strand, the complement: COL1A1 is on the minus strand). VCF-style: chr17-50199855-C-G. GRCh37 (hg19) VCF-style: chr17-48277216-C-G.
Other names: short protein forms G66R.
Identifiers: ClinVar variation 1783593 (VCV001783593.2), dbSNP rs1240249424, ClinGen allele CA400228398.